The following is an entry in ClinVar:

NM_000135.4(FANCA):c.2527T>G (p.Tyr843Asp)

Gene: FANCA (FA complementation group A; minus strand). Cytogenetic location: 16q24.3.
Variant type: single nucleotide variant.
Coding change: c.2527T>G on transcript NM_000135.4 (MANE Select); coding-DNA position 2527, T replaced by G.
Protein change: p.Tyr843Asp; replaces tyrosine 843 with aspartic acid.
Molecular consequence: missense variant.
Genome position (GRCh38, 1-based): chr16:89,767,215, A>C on the plus strand (T>G on the coding strand, the complement: FANCA is on the minus strand). VCF-style: chr16-89767215-A-C. GRCh37 (hg19) VCF-style: chr16-89833623-A-C.
Other names: c.2527T>G, p.Tyr843Asp (NM_001286167.3); short protein forms Y843D.
Identifiers: ClinVar variation 974143 (VCV000974143.3), dbSNP rs374030577, ClinGen allele CA8251683.
Genomic context (GRCh38, chr16:89,767,215, plus strand): 5'-CTGGAGATAAGCAGCTGCACAAAGTATCTCGTGACTGGGAAGAAAACTTGCAGAGAGAGT[A>C]AGAAATTGCTGCTGTACAAAATCTGAAAACAGAAATTATAACATATAAATGTAATCCATA-3'
Protein context (NP_000126.2, residues 833-853): CLKFCTAAIS[Tyr843Asp]SLCKFSSQSR

ClinVar aggregate classification (germline): Likely pathogenic. Review status: criteria provided, single submitter (1 of 4 stars). 3 submissions from 3 submitters: Likely pathogenic (1). 2 of the submissions do not count toward it. Last evaluated 2026-06-17.

Conditions:
FANCA-related disorder. Also called: FANCA-related condition.
Fanconi anemia complementation group A (FANCA). Also called: FANCA-Related Fanconi Anemia; Fanconi anemia, group A. Identifiers: Orphanet 84, MedGen C3469521, MONDO:0009215, OMIM 227650.
Fanconi anemia (FA). Also called: Fanconi's anemia. Identifiers: Orphanet 84, MedGen C0015625, MeSH D005199, MONDO:0019391.

Allele frequency attached by ClinVar (database versions not stated): ESP Exome Variant Server 0.00008; TOPMed below 0.00001; ExAC 0.00001; gnomAD exomes below 0.00001.
gnomAD v4.1: 1 of 1,612,966 alleles (0.000062%); highest among the groups gnomAD compares: Non-Finnish European, 0.000085%; no homozygotes.

Submissions (3):

Women's Health and Genetics/Laboratory Corporation of America, LabCorp
Classification: Likely pathogenic for Fanconi anemia. Last evaluated: 2026-06-17. Review status: criteria provided, single submitter. Criteria: LabCorp Variant Classification Summary - May 2015. Collection method: clinical testing. Allele origin: germline.
Comment: Variant summary: FANCA c.2527T>G (p.Tyr843Asp) results in a non-conservative amino acid change in the encoded protein sequence. Algorithms developed to predict the effect of missense changes on protein structure and function all suggest that this variant is likely to be disruptive. The variant allele was found at a frequency of 4e-06 in 251264 control chromosomes. c.2527T>G has been observed in individuals with homozygous and compound heterozygous genotype, affected with FANCA-related conditions (e.g. Ameziane_2008, Mori_2019, external communication). These data indicate that the variant is likely to be associated with disease. To our knowledge, no experimental evidence demonstrating an impact on protein function has been reported. The following publications have been ascertained in the context of this evaluation (PMID: 35417938, 17924555, 24037726, 30792206, 34864095). ClinVar contains an entry for this variant (Variation ID: 974143). Based on the evidence outlined above, the variant was classified as likely pathogenic.

PreventionGenetics, part of Exact Sciences
Classification: Likely pathogenic for FANCA-related condition. Last evaluated: 2024-04-23. Review status: no assertion criteria provided. Collection method: clinical testing. Allele origin: germline. Not counted in ClinVar's aggregate classification.
Comment: The FANCA c.2527T>G variant is predicted to result in the amino acid substitution p.Tyr843Asp. This variant has been reported in the homozygous state in an individual with Fanconi anemia (Ameziane et al. 2008. PubMed ID: 17924555). This variant has also been reported with a splicing variant in FANCA in an individual with Fanconi anemia (Mori et al. 2019. PubMed ID: 30792206. Table S2). Additionally, this variant was predicted pathogenic in an silico study (Shahid et al. 2021. PubMed ID: 34864095). This variant is reported in 0.00088% of alleles in individuals of European (Non-Finnish) descent in gnomAD. This variant is interpreted as likely pathogenic.

Leiden Open Variation Database
Classification: Pathogenic for Fanconi anemia complementation group A. Last evaluated: 2020-02-28. Review status: no assertion criteria provided. Collection method: curation. Allele origin: germline. Affected: yes. Not counted in ClinVar's aggregate classification.
Comment: Curator: Arleen D. Auerbach. Submitter to LOVD: Johan de Winter.

Literature cited by the submitters: PubMed 17924555 (cited by Women's Health and Genetics/Laboratory Corporation of America, LabCorp and Leiden Open Variation Database); PubMed 30792206 (cited by Women's Health and Genetics/Laboratory Corporation of America, LabCorp); PubMed 34864095 (cited by Women's Health and Genetics/Laboratory Corporation of America, LabCorp); PubMed 35417938 (cited by Women's Health and Genetics/Laboratory Corporation of America, LabCorp); PubMed 24037726 (cited by Women's Health and Genetics/Laboratory Corporation of America, LabCorp).